The following is an entry in ClinVar:

ClinVar aggregate classification (germline): Likely benign. Review status: criteria provided, multiple submitters, no conflicts (2 of 4 stars). 2 submissions from 2 submitters: Likely benign (2). Last evaluated 2024-10-30.

Conditions:
Bardet-Biedl syndrome (BBS). Identifiers: Orphanet 110, MedGen C0752166, MONDO:0015229.
BBS1-related disorder. Also called: BBS1-related condition.

gnomAD v4.1: 1 of 1,614,172 alleles (0.000062%); highest among the groups gnomAD compares: African/African-American, 0.0013%; no homozygotes.

Submissions (2):

PreventionGenetics, part of Exact Sciences
Classification: Likely benign for BBS1-related condition. Last evaluated: 2024-10-30. Review status: criteria provided, single submitter. Criteria: ACMG Guidelines, 2015. Collection method: clinical testing. Allele origin: germline.
Comment: This variant is classified as likely benign based on ACMG/AMP sequence variant interpretation guidelines (Richards et al. 2015 PMID: 25741868, with internal and published modifications).

Labcorp Genetics (formerly Invitae), Labcorp
Classification: Likely benign for Bardet-Biedl syndrome. Last evaluated: 2024-02-01. Review status: criteria provided, single submitter. Criteria: Invitae Variant Classification Sherloc (09022015). Collection method: clinical testing. Allele origin: germline.

NM_024649.5(BBS1):c.765C>T (p.Gly255=)

Genes: BBS1 (Bardet-Biedl syndrome 1; plus strand), ZDHHC24 (zDHHC palmitoyltransferase 24; minus strand). Cytogenetic location: 11q13.2.
Variant type: single nucleotide variant.
Coding change: c.765C>T on transcript NM_024649.5 (MANE Select); coding-DNA position 765, C replaced by T.
Protein change: p.Gly255=; no amino-acid change (glycine 255 retained).
Molecular consequence: synonymous variant. On other transcripts: 3 prime UTR variant (1).
Genome position (GRCh38, 1-based): chr11:66,521,311, C>T. VCF-style: chr11-66521311-C-T. GRCh37 (hg19) VCF-style: chr11-66288782-C-T.
Other names: c.*177G>A (NM_001348571.2).
Identifiers: ClinVar variation 3669673 (VCV003669673.3).